The following is an entry in ClinVar:

ClinVar aggregate classification (germline): Likely benign (1 of 4 stars; one submission).

gnomAD v4.1: 36 of 1,535,418 alleles (0.0023%); highest among the groups gnomAD compares: East Asian, 0.032%; no homozygotes.

Submission:

CeGaT Center for Human Genetics Tuebingen
Classification: Likely benign. Last evaluated: 2026-04-01. Review status: criteria provided, single submitter. Criteria: CeGaT Center For Human Genetics Tuebingen Variant Classification Criteria Version 2. Collection method: clinical testing. Allele origin: germline. Affected: yes. Observed: 1 variant allele.
Comment: PIEZO1: BP4, BP7

NM_001142864.4(PIEZO1):c.204G>A (p.Leu68=)

Gene: PIEZO1 (piezo type mechanosensitive ion channel component 1 (Er blood group); minus strand). Cytogenetic location: 16q24.3.
Variant type: single nucleotide variant.
Coding change: c.204G>A on transcript NM_001142864.4 (MANE Select); coding-DNA position 204, G replaced by A.
Protein change: p.Leu68=; no amino-acid change (leucine 68 retained).
Molecular consequence: synonymous variant.
Genome position (GRCh38, 1-based): chr16:88,742,379, C>T on the plus strand (G>A on the coding strand, the complement: PIEZO1 is on the minus strand). VCF-style: chr16-88742379-C-T. GRCh37 (hg19) VCF-style: chr16-88808787-C-T.
Identifiers: ClinVar variation 4873227 (VCV004873227.2).